The following is an entry in ClinVar:

NM_001035.3(RYR2):c.1012T>A (p.Leu338Met)

Gene: RYR2 (ryanodine receptor 2; plus strand). Cytogenetic location: 1q43.
Variant type: single nucleotide variant.
Coding change: c.1012T>A on transcript NM_001035.3 (MANE Select); coding-DNA position 1012, T replaced by A.
Protein change: p.Leu338Met; replaces leucine 338 with methionine.
Molecular consequence: missense variant.
Genome position (GRCh38, 1-based): chr1:237,441,325, T>A. VCF-style: chr1-237441325-T-A. GRCh37 (hg19) VCF-style: chr1-237604625-T-A.
Other names: short protein forms L338M.
Identifiers: ClinVar variation 3682605 (VCV003682605.2).
Genomic context (GRCh38, chr1:237,441,325, plus strand): 5'-TACACTAGTATTTTTGAAATGTTTACTGACCTTTTTTTCCTCCTCTCCCCTTAGGAAAAA[T>A]TGGATGTAGGGGTGAGAAAAGAAGTAGATGGCATGGGAACATCTGAAATAAAATACGGTG-3'
Protein context (NP_001026.2, residues 328-348): AFTFRSSKEK[Leu338Met]DVGVRKEVDG

ClinVar aggregate classification (germline): Uncertain significance (1 of 4 stars; one submission).

Conditions:
Catecholaminergic polymorphic ventricular tachycardia 1. Also called: VENTRICULAR TACHYCARDIA, STRESS-INDUCED POLYMORPHIC 1; VENTRICULAR TACHYCARDIA, CATECHOLAMINERGIC POLYMORPHIC, 1, WITH OR WITHOUT ATRIAL DYSFUNCTION AND/OR DILATED CARDIOMYOPATHY; RYR2-Related Catecholaminergic Polymorphic Ventricular Tachycardia. Identifiers: Orphanet 3286, MedGen C1631597, MONDO:0011484, OMIM 604772.

Submission:

Labcorp Genetics (formerly Invitae), Labcorp
Classification: Uncertain significance for Catecholaminergic polymorphic ventricular tachycardia 1. Last evaluated: 2024-07-22. Review status: criteria provided, single submitter. Criteria: Invitae Variant Classification Sherloc (09022015). Collection method: clinical testing. Allele origin: germline.
Comment: This sequence change replaces leucine, which is neutral and non-polar, with methionine, which is neutral and non-polar, at codon 338 of the RYR2 protein (p.Leu338Met). This variant is not present in population databases (gnomAD no frequency). This variant has not been reported in the literature in individuals affected with RYR2-related conditions. Advanced modeling of protein sequence and biophysical properties (such as structural, functional, and spatial information, amino acid conservation, physicochemical variation, residue mobility, and thermodynamic stability) performed at Invitae indicates that this missense variant is not expected to disrupt RYR2 protein function with a negative predictive value of 95%. In summary, the available evidence is currently insufficient to determine the role of this variant in disease. Therefore, it has been classified as a Variant of Uncertain Significance.